The following is an entry in ClinVar:

NM_000375.3(UROS):c.338A>T (p.Asp113Val)

Gene: UROS (uroporphyrinogen III synthase; minus strand). Cytogenetic location: 10q26.2.
Variant type: single nucleotide variant.
Coding change: c.338A>T on transcript NM_000375.3 (MANE Select); coding-DNA position 338, A replaced by T.
Protein change: p.Asp113Val; replaces aspartic acid 113 with valine.
Molecular consequence: missense variant. On other transcripts: non-coding transcript variant (4).
Genome position (GRCh38, 1-based): chr10:125,807,469, T>A on the plus strand (A>T on the coding strand, the complement: UROS is on the minus strand). VCF-style: chr10-125807469-T-A. GRCh37 (hg19) VCF-style: chr10-127496038-T-A.
Other names: p.Asp113Val; c.338A>T, p.Asp113Val (NM_001324036.2, NM_001324037.2, NM_001324038.2 and 1 more transcripts); short protein forms D113V.
Identifiers: ClinVar variation 299191 (VCV000299191.43), dbSNP rs117926090, ClinGen allele CA5738510.

ClinVar aggregate classification (germline): Benign/Likely benign. Review status: criteria provided, multiple submitters, no conflicts (2 of 4 stars). 7 submissions from 7 submitters: Benign (5); Likely benign (1). 1 of the submissions does not count toward it. Last evaluated 2026-04-01.

Conditions:
Congenital erythropoietic porphyria. Also called: GUNTHER DISEASE; UROS DEFICIENCY; Cutaneous porphyria; Congenital porphyria; Günther disease; Uroporphyrinogen III synthase, deficiency of. Identifiers: Orphanet 79277, MedGen C5886774, MONDO:0009902, OMIM 263700.
UROS-related disorder. Also called: UROS-related condition.

Allele frequency attached by ClinVar (database versions not stated): 1000 Genomes Project 0.00779; gnomAD exomes 0.00817 and 0.00828; ExAC 0.00923; gnomAD 0.00376 and 0.00475; TOPMed 0.00334; ESP Exome Variant Server 0.00515; 1000 Genomes Project 30x 0.00765.
gnomAD v4.1: 12,665 of 1,614,038 alleles (0.78%); highest among the groups gnomAD compares: South Asian, 4.2%; 171 homozygotes.

Submissions (7):

CeGaT Center for Human Genetics Tuebingen
Classification: Benign. Last evaluated: 2026-04-01. Review status: criteria provided, single submitter. Criteria: CeGaT Center For Human Genetics Tuebingen Variant Classification Criteria Version 2. Collection method: clinical testing. Allele origin: germline. Affected: yes. Observed: 5 variant alleles.
Comment: UROS: BP4, BS1, BS2

Labcorp Genetics (formerly Invitae), Labcorp
Classification: Benign. Last evaluated: 2025-12-23. Review status: criteria provided, single submitter. Criteria: Invitae Variant Classification Sherloc (09022015). Collection method: clinical testing. Allele origin: germline.

Genomic Medicine Center of Excellence, King Faisal Specialist Hospital and Research Centre
Classification: Likely benign. Last evaluated: 2025-08-18. Review status: criteria provided, single submitter. Criteria: ACMG Guidelines, 2015. Collection method: clinical testing. Allele origin: germline.

Mayo Clinic Laboratories, Mayo Clinic
Classification: Benign. Last evaluated: 2022-01-25. Review status: criteria provided, single submitter. Criteria: ACMG Guidelines, 2015. Collection method: clinical testing. Allele origin: germline. Observed: 5 variant alleles.
Comment: BA1, BP4

Illumina Laboratory Services, Illumina
Classification: Benign for Congenital erythropoietic porphyria. Last evaluated: 2018-01-12. Review status: criteria provided, single submitter. Criteria: ICSL Variant Classification Criteria 13 December 2019. Collection method: clinical testing. Allele origin: germline.
Comment: This variant was observed in the ICSL laboratory as part of a predisposition screen in an ostensibly healthy population. It had not been previously curated by ICSL or reported in the Human Gene Mutation Database (HGMD: prior to June 1st, 2018), and was therefore a candidate for classification through an automated scoring system. Utilizing variant allele frequency, disease prevalence and penetrance estimates, and inheritance mode, an automated score was calculated to assess if this variant is too frequent to cause the disease. Based on the score and internal cut-off values, a variant classified as benign is not then subjected to further curation. The score for this variant resulted in a classification of benign for this disease.

Breakthrough Genomics
Classification: Benign. Review status: criteria provided, single submitter. Criteria: ACMG Guidelines, 2015. Collection method: not provided. Allele origin: germline. Inheritance: Autosomal recessive inheritance. Affected: yes.

PreventionGenetics, part of Exact Sciences
Classification: Likely benign for UROS-related condition. Last evaluated: 2019-11-19. Review status: no assertion criteria provided. Collection method: clinical testing. Allele origin: germline. Not counted in ClinVar's aggregate classification.
Comment: This variant is classified as likely benign based on ACMG/AMP sequence variant interpretation guidelines (Richards et al. 2015 PMID: 25741868, with internal and published modifications).